The following is an entry in ClinVar:

ClinVar aggregate classification (germline): Uncertain significance (1 of 4 stars; one submission).

Submission:

Labcorp Genetics (formerly Invitae), Labcorp
Classification: Uncertain significance. Last evaluated: 2024-08-20. Review status: criteria provided, single submitter. Criteria: Invitae Variant Classification Sherloc (09022015). Collection method: clinical testing. Allele origin: germline.
Comment: This sequence change replaces leucine, which is neutral and non-polar, with proline, which is neutral and non-polar, at codon 618 of the MYO7A protein (p.Leu618Pro). This variant is not present in population databases (gnomAD no frequency). This variant has not been reported in the literature in individuals affected with MYO7A-related conditions. Invitae Evidence Modeling of protein sequence and biophysical properties (such as structural, functional, and spatial information, amino acid conservation, physicochemical variation, residue mobility, and thermodynamic stability) indicates that this missense variant is expected to disrupt MYO7A protein function with a positive predictive value of 95%. In summary, the available evidence is currently insufficient to determine the role of this variant in disease. Therefore, it has been classified as a Variant of Uncertain Significance.

NM_000260.4(MYO7A):c.1853T>C (p.Leu618Pro)

Gene: MYO7A (myosin VIIA; plus strand). Cytogenetic location: 11q13.5.
Variant type: single nucleotide variant.
Coding change: c.1853T>C on transcript NM_000260.4 (MANE Select); coding-DNA position 1853, T replaced by C.
Protein change: p.Leu618Pro; replaces leucine 618 with proline.
Molecular consequence: missense variant.
Genome position (GRCh38, 1-based): chr11:77,172,803, T>C. VCF-style: chr11-77172803-T-C. GRCh37 (hg19) VCF-style: chr11-76883849-T-C.
Other names: c.1853T>C, p.Leu618Pro (NM_001127180.2); c.1820T>C, p.Leu607Pro (NM_001369365.1); short protein forms L607P, L618P.
Identifiers: ClinVar variation 2808815 (VCV002808815.3), dbSNP rs1954240719, ClinGen allele CA381938403.